The following is an entry in ClinVar:

ClinVar aggregate classification (germline): Benign (1 of 4 stars; one submission).

Conditions:
Cayman type cerebellar ataxia. Also called: Cayman ataxia. Identifiers: Orphanet 94122, MedGen C1832585, MONDO:0011025, OMIM 601238.

Allele frequency attached by ClinVar (database versions not stated): gnomAD exomes 0.00066; gnomAD 0.00859 and 0.00924; TOPMed 0.00985; 1000 Genomes Project 0.01078; 1000 Genomes Project 30x 0.01156.
gnomAD v4.1: 1,297 of 156,868 alleles (0.83%); highest among the groups gnomAD compares: African/African-American, 3%; 25 homozygotes.

Submission:

Illumina Laboratory Services, Illumina
Classification: Benign for Cayman type cerebellar ataxia. Last evaluated: 2018-01-13. Review status: criteria provided, single submitter. Criteria: ICSL Variant Classification Criteria 13 December 2019. Collection method: clinical testing. Allele origin: germline.
Comment: This variant was observed in the ICSL laboratory as part of a predisposition screen in an ostensibly healthy population. It had not been previously curated by ICSL or reported in the Human Gene Mutation Database (HGMD: prior to June 1st, 2018), and was therefore a candidate for classification through an automated scoring system. Utilizing variant allele frequency, disease prevalence and penetrance estimates, and inheritance mode, an automated score was calculated to assess if this variant is too frequent to cause the disease. Based on the score and internal cut-off values, a variant classified as benign is not then subjected to further curation. The score for this variant resulted in a classification of benign for this disease.

NM_033064.5(ATCAY):c.*486A>C

Gene: ATCAY (ATCAY kinesin light chain interacting caytaxin; plus strand). Cytogenetic location: 19p13.3.
Variant type: single nucleotide variant.
Coding change: c.*486A>C on transcript NM_033064.5 (MANE Select); 486 bases downstream of the stop codon, A replaced by C.
Molecular consequence: 3 prime UTR variant.
Genome position (GRCh38, 1-based): chr19:3,925,078, A>C. VCF-style: chr19-3925078-A-C. GRCh37 (hg19) VCF-style: chr19-3925076-A-C.
Identifiers: ClinVar variation 329162 (VCV000329162.5), dbSNP rs115839391, ClinGen allele CA10652442.
Genomic context (GRCh38, chr19:3,925,078, plus strand): 5'-CCCGGCTGGGTCTGCGTCCTTTCCTGTGCCTTTCCCTCCAGAATGCGGCCTCAGACCTAG[A>C]AGCTCAACCCCCCTATGAGGGCCACGTCCTGGGGTAGCTCCTGACCTCCGACCTTATGTC-3'